The following is an entry in ClinVar:

NC_000006.12:g.99593111G>C

Genes: PRDM13 (PR/SET domain 13; plus strand), LOC111365204 (CCNC and PRDM13 intergenic region DNase I hypersensitve site DHS6S1; plus strand). Cytogenetic location: 6q16.2.
Variant type: single nucleotide variant.
Genome position: GRCh38 VCF-style: chr6-99593111-G-C. GRCh37 (hg19) VCF-style: chr6-100040987-G-C.
Other names: CHR6:100,040,987, G-C.
Identifiers: ClinVar variation 446240 (VCV000446240.34), dbSNP rs1554264613, ClinGen allele CA658653777.

ClinVar aggregate classification (germline): Pathogenic. Review status: criteria provided, multiple submitters, no conflicts (2 of 4 stars). 7 submissions from 7 submitters: Pathogenic (6). 1 of the submissions does not count toward it. Last evaluated 2026-01-19.

Conditions:
Retinal dystrophy. Also called: Inherited retinal dystrophy. Identifiers: Orphanet 71862, MedGen C0854723, MeSH D058499, MONDO:0019118, HP:0000556.
PRDM13-related disorder. Also called: PRDM13-related condition.
North Carolina macular dystrophy (MCDR1). Also called: Macular dystrophy retinal 1 North Carolina type. Identifiers: Orphanet 75327, MedGen C0730294, MONDO:0007630, OMIM 136550.

Allele frequency attached by ClinVar (database versions not stated): TOPMed below 0.00001; gnomAD 0.00001.

Submissions (7):

Labcorp Genetics (formerly Invitae), Labcorp
Classification: Pathogenic. Last evaluated: 2026-01-19. Review status: criteria provided, single submitter. Criteria: Invitae Variant Classification Sherloc (09022015). Collection method: clinical testing. Allele origin: germline.
Comment: This variant occurs in a non-coding region of the PRDM13 gene. It does not change the encoded amino acid sequence of the PRDM13 protein. This variant is not present in population databases (gnomAD no frequency). This variant has been observed in individuals with North Carolina macular dystrophy (PMID: 26507665, 27551809, 31043363, 31814698). It has also been observed to segregate with disease in related individuals. This variant is also known as V2 or chromosome 6: 99,593,111 (G>C) NC_000006.11(GRCh38):g.100040987G>C. For these reasons, this variant has been classified as Pathogenic.

GeneDx
Classification: Pathogenic. Last evaluated: 2024-12-19. Review status: criteria provided, single submitter. Criteria: GeneDx Variant Classification Process June 2021. Collection method: clinical testing. Allele origin: germline. Affected: yes.
Comment: No data available from control populations to assess the frequency of this variant; Also known as chr6:10040987G>C and V2; This variant is associated with the following publications: (PMID: 28790370, 31043363, 26507665, 27551809, 33785507, 31814698, 37734845, 34125159, 36243009)

CeGaT Center for Human Genetics Tuebingen
Classification: Pathogenic. Last evaluated: 2024-07-01. Review status: criteria provided, single submitter. Criteria: CeGaT Center For Human Genetics Tuebingen Variant Classification Criteria Version 2. Collection method: clinical testing. Allele origin: germline. Affected: yes. Observed: 2 variant alleles.
Comment: PRDM13: PP1:Strong, PM1, PM2, PS4:Moderate

Blueprint Genetics
Classification: Pathogenic for PRDM13-related disorders. Last evaluated: 2024-04-30. Review status: criteria provided, single submitter. Criteria: ACMG Guidelines, 2015. Collection method: clinical testing. Allele origin: germline. Affected: yes. Observed: 5 variant alleles.

Institute of Human Genetics, Univ. Regensburg, Univ. Regensburg
Classification: Pathogenic for Retinal dystrophy. Last evaluated: 2023-01-01. Review status: criteria provided, single submitter. Criteria: ACMG Guidelines, 2015. Collection method: clinical testing. Allele origin: germline. Affected: yes.

Institute of Medical Genetics and Applied Genomics, University Hospital Tübingen
Classification: Pathogenic. Last evaluated: 2020-10-23. Review status: criteria provided, single submitter. Criteria: ACMG Guidelines, 2015. Collection method: clinical testing. Allele origin: germline. Inheritance: Autosomal dominant inheritance. Affected: yes.

OMIM
Classification: Pathogenic for MACULAR DYSTROPHY, RETINAL, 1, NORTH CAROLINA TYPE. Last evaluated: 2019-10-29. Review status: no assertion criteria provided. Collection method: literature only. Allele origin: germline. Not counted in ClinVar's aggregate classification.

Literature cited by the submitters: PubMed 26507665 (cited by 3 submitters); PubMed 27551809 (cited by 3 submitters); PubMed 31043363 (cited by Labcorp Genetics (formerly Invitae), Labcorp and Institute of Human Genetics, Univ. Regensburg, Univ. Regensburg); PubMed 31814698 (cited by Labcorp Genetics (formerly Invitae), Labcorp and Institute of Human Genetics, Univ. Regensburg, Univ. Regensburg); PubMed 33785507 (cited by Institute of Human Genetics, Univ. Regensburg, Univ. Regensburg); PubMed 34125159 (cited by Institute of Human Genetics, Univ. Regensburg, Univ. Regensburg); PubMed 34895015 (cited by Institute of Human Genetics, Univ. Regensburg, Univ. Regensburg); PubMed 9238090 (cited by OMIM); PubMed 9924305 (cited by OMIM); PubMed 28790370 (cited by OMIM).